The following is an entry in ClinVar:

ClinVar aggregate classification (germline): Uncertain significance (1 of 4 stars; one submission).

Submission:

CeGaT Center for Human Genetics Tuebingen
Classification: Uncertain significance. Last evaluated: 2023-10-01. Review status: criteria provided, single submitter. Criteria: CeGaT Center For Human Genetics Tuebingen Variant Classification Criteria Version 2. Collection method: clinical testing. Allele origin: germline. Affected: yes. Observed: 1 variant allele.
Comment: HUWE1: PM2, BP4

NM_031407.7(HUWE1):c.2261+7_2261+8del

Gene: HUWE1 (HECT, UBA and WWE domain containing E3 ubiquitin protein ligase 1; minus strand). Cytogenetic location: Xp11.22.
Variant type: Microsatellite.
Coding change: c.2261+7_2261+8del on transcript NM_031407.7 (MANE Select); bases 7 to 8 of the intron after coding-DNA position 2261, 2 bases deleted (GT; older notation c.2261+7_2261+8delGT).
Molecular consequence: intron variant.
Genome position (GRCh38, 1-based): chrX:53,614,526-53,614,527, AC deleted on the plus strand (GT on the coding strand, the reverse complement: HUWE1 is on the minus strand); deleting any 2 consecutive bases within chrX:53,614,526-53,614,529 gives the same sequence; the c. name uses the placement nearest the transcript's 3' end. VCF-style (leftmost placement, unchanged base first): chrX-53614525-AAC-A. GRCh37 (hg19) VCF-style: chrX-53641486-AAC-A.
Identifiers: ClinVar variation 2660629 (VCV002660629.24), dbSNP rs2527361470, ClinGen allele CA2693817740.